The following is an entry in ClinVar:

ClinVar aggregate classification (germline): Likely benign. Review status: criteria provided, multiple submitters, no conflicts (2 of 4 stars). 5 submissions from 5 submitters: Likely benign (5). Last evaluated 2025-12-02.

Conditions:
Cardiovascular phenotype. Identifiers: MedGen CN230736.
Cardiomyopathy (CMYO). Also called: Cardiomyopathies. Identifiers: Orphanet 167848, MedGen C0878544, MONDO:0004994, HP:0001638. Inheritance: Various modes of inheritance.
Hypertrophic cardiomyopathy. Also called: HYPERTROPHIC MYOCARDIOPATHY. Identifiers: Orphanet 217569, MedGen C0007194, MeSH D002312, MONDO:0005045, HP:0001639.
Lethal congenital glycogen storage disease of heart. Also called: GLYCOGEN STORAGE DISEASE OF HEART; PHOSPHORYLASE KINASE DEFICIENCY OF HEART. Identifiers: Orphanet 439854, MedGen C1849813, MONDO:0009867, OMIM 261740.

Allele frequency attached by ClinVar (database versions not stated): ExAC 0.00001; gnomAD exomes 0.00001.
gnomAD v4.1: 7 of 1,613,790 alleles (0.00043%); highest among the groups gnomAD compares: South Asian, 0.0033%; no homozygotes.

Submissions (5):

Labcorp Genetics (formerly Invitae), Labcorp
Classification: Likely benign for Lethal congenital glycogen storage disease of heart. Last evaluated: 2025-12-02. Review status: criteria provided, single submitter. Criteria: Invitae Variant Classification Sherloc (09022015). Collection method: clinical testing. Allele origin: germline.

All of Us Research Program, National Institutes of Health
Classification: Likely benign for Hypertrophic cardiomyopathy. Last evaluated: 2023-10-27. Review status: criteria provided, single submitter. Criteria: ACMG Guidelines, 2015. Collection method: clinical testing. Allele origin: germline. Inheritance: Autosomal dominant inheritance. Observed: 1 variant allele, 1 heterozygote.
Comment: This study involves interpretation of variants in research participants for the purpose of population health screening. Participant phenotype was not available at the time of variant classification. Additional details can be found in publication PMID: 35346344, PMCID: PMC8962531

Ambry Genetics
Classification: Likely benign for Cardiovascular phenotype. Last evaluated: 2021-11-02. Review status: criteria provided, single submitter. Criteria: Ambry Variant Classification Scheme 2023. Collection method: clinical testing. Allele origin: germline.

Color Diagnostics, LLC DBA Color Health
Classification: Likely benign for Cardiomyopathy. Last evaluated: 2019-01-25. Review status: criteria provided, single submitter. Criteria: ACMG Guidelines, 2015. Collection method: clinical testing. Allele origin: germline.

GeneDx
Classification: Likely benign. Last evaluated: 2018-05-24. Review status: criteria provided, single submitter. Criteria: GeneDx Variant Classification (06012015). Collection method: clinical testing. Allele origin: germline. Affected: yes.
Comment: This variant is considered likely benign or benign based on one or more of the following criteria: it is a conservative change, it occurs at a poorly conserved position in the protein, it is predicted to be benign by multiple in silico algorithms, and/or has population frequency not consistent with disease.

NM_016203.4(PRKAG2):c.1254T>C (p.Pro418=)

Gene: PRKAG2 (protein kinase AMP-activated non-catalytic subunit gamma 2; minus strand). Cytogenetic location: 7q36.1.
Variant type: single nucleotide variant.
Coding change: c.1254T>C on transcript NM_016203.4 (MANE Select); coding-DNA position 1254, T replaced by C.
Protein change: p.Pro418=; no amino-acid change (proline 418 retained).
Molecular consequence: synonymous variant.
Genome position (GRCh38, 1-based): chr7:151,565,865, A>G on the plus strand (T>C on the coding strand, the complement: PRKAG2 is on the minus strand). VCF-style: chr7-151565865-A-G. GRCh37 (hg19) VCF-style: chr7-151262951-A-G.
Other names: c.1122T>C, p.Pro374= (NM_001040633.2); c.879T>C, p.Pro293= (NM_001304527.2); c.531T>C, p.Pro177= (NM_001304531.2, NM_024429.2); c.882T>C, p.Pro294= (NM_001363698.2).
Identifiers: ClinVar variation 669050 (VCV000669050.16), dbSNP rs753059650, ClinGen allele CA054618.